The following is an entry in ClinVar:

NM_000441.2(SLC26A4):c.365del (p.Phe122fs)

Gene: SLC26A4 (solute carrier family 26 member 4; plus strand). Cytogenetic location: 7q22.3.
Variant type: Deletion.
Coding change: c.365del on transcript NM_000441.2 (MANE Select); coding-DNA position 365, one base deleted (T; older notation c.365delT).
Protein change: p.Phe122fs; shifts the reading frame from phenylalanine 122.
Molecular consequence: frameshift variant.
Genome position (GRCh38, 1-based): chr7:107,672,198, T deleted; the last of 6 consecutive T bases (chr7:107,672,193-107,672,198); deleting any one gives the same sequence. VCF-style (leftmost placement, unchanged base first): chr7-107672192-CT-C. GRCh37 (hg19) VCF-style: chr7-107312637-CT-C.
Other names: short protein forms F122fs.
Identifiers: ClinVar variation 1069540 (VCV001069540.9), dbSNP rs786204730, ClinGen allele CA2499218641.

ClinVar aggregate classification (germline): Pathogenic (1 of 4 stars; one submission).

Submission:

Labcorp Genetics (formerly Invitae), Labcorp
Classification: Pathogenic. Last evaluated: 2020-05-14. Review status: criteria provided, single submitter. Criteria: Invitae Variant Classification Sherloc (09022015). Collection method: clinical testing. Allele origin: germline.
Comment: Loss-of-function variants in SLC26A4 are known to be pathogenic (PMID: 16283880, 25394566, 26252218, 26445815). For these reasons, this variant has been classified as Pathogenic. This sequence change creates a premature translational stop signal (p.Phe122Serfs*4) in the SLC26A4 gene. It is expected to result in an absent or disrupted protein product. This variant is not present in population databases (ExAC no frequency). This variant has been observed in individual(s) with nonsyndromic enlargement of vestibular aqueduct (PMID: 25372295).

Literature cited by the submitters: PubMed 16283880; PubMed 25394566; PubMed 26252218; PubMed 26445815; PubMed 25372295.